The following is an entry in ClinVar:

ClinVar aggregate classification (germline): Conflicting classifications of pathogenicity. Review status: criteria provided, conflicting classifications (1 of 4 stars). 3 submissions from 3 submitters: Uncertain significance (1); Benign (1); Likely benign (1). Last evaluated 2025-07-15.

Conditions:
Inborn genetic diseases. Identifiers: MedGen C0950123, MeSH D030342.
Landau-Kleffner syndrome (FESD). Also called: APHASIA, ACQUIRED, WITH EPILEPSY; EPILEPSY, FOCAL, WITH SPEECH DISORDER AND WITH OR WITHOUT MENTAL RETARDATION. Identifiers: Orphanet 1945, Orphanet 725, Orphanet 98818, MedGen C0282512, MONDO:0009509, OMIM 245570.

Allele frequency attached by ClinVar (database versions not stated): gnomAD exomes 0.00001; TOPMed 0.00001; ExAC 0.00002; gnomAD 0.00002.
gnomAD v4.1: 33 of 1,614,014 alleles (0.002%); highest among the groups gnomAD compares: Non-Finnish European, 0.0028%; no homozygotes.

Submissions (3):

Labcorp Genetics (formerly Invitae), Labcorp
Classification: Benign for Landau-Kleffner syndrome. Last evaluated: 2025-07-15. Review status: criteria provided, single submitter. Criteria: Invitae Variant Classification Sherloc (09022015). Collection method: clinical testing. Allele origin: germline.

GeneDx
Classification: Likely benign. Last evaluated: 2023-11-07. Review status: criteria provided, single submitter. Criteria: GeneDx Variant Classification Process June 2021. Collection method: clinical testing. Allele origin: germline. Affected: yes.
Comment: See Variant Classification Assertion Criteria.

Ambry Genetics
Classification: Uncertain significance for Inborn genetic diseases. Last evaluated: 2019-04-20. Review status: criteria provided, single submitter. Criteria: Ambry Variant Classification Scheme 2023. Collection method: clinical testing. Allele origin: germline.
Comment: The p.N969K variant (also known as c.2907C>G), located in coding exon 12 of the GRIN2A gene, results from a C to G substitution at nucleotide position 2907. The asparagine at codon 969 is replaced by lysine, an amino acid with similar properties. This amino acid position is well conserved in available vertebrate species. In addition, this alteration is predicted to be tolerated by in silico analysis. Since supporting evidence is limited at this time, the clinical significance of this alteration remains unclear.

NM_001134407.3(GRIN2A):c.2907C>G (p.Asn969Lys)

Gene: GRIN2A (glutamate ionotropic receptor NMDA type subunit 2A; minus strand). Cytogenetic location: 16p13.2.
Variant type: single nucleotide variant.
Coding change: c.2907C>G on transcript NM_001134407.3 (MANE Select); coding-DNA position 2907, C replaced by G.
Protein change: p.Asn969Lys; replaces asparagine 969 with lysine.
Molecular consequence: missense variant.
Genome position (GRCh38, 1-based): chr16:9,764,637, G>C on the plus strand (C>G on the coding strand, the complement: GRIN2A is on the minus strand). VCF-style: chr16-9764637-G-C. GRCh37 (hg19) VCF-style: chr16-9858494-G-C.
Other names: p.N969K:AAC>AAG; c.2907C>G, p.Asn969Lys (NM_000833.5, NM_001134408.2); short protein forms N969K.
Identifiers: ClinVar variation 205665 (VCV000205665.14), dbSNP rs772589363, ClinGen allele CA314962.